The following is an entry in ClinVar:

NM_025137.4(SPG11):c.6006+4T>C

Gene: SPG11 (SPG11 vesicle trafficking associated, spatacsin; minus strand). Cytogenetic location: 15q21.1.
Variant type: single nucleotide variant.
Coding change: c.6006+4T>C on transcript NM_025137.4 (MANE Select); 4 bases into the intron after coding-DNA position 6006, T replaced by C.
Molecular consequence: intron variant.
Genome position (GRCh38, 1-based): chr15:44,574,898, A>G on the plus strand (T>C on the coding strand, the complement: SPG11 is on the minus strand). VCF-style: chr15-44574898-A-G. GRCh37 (hg19) VCF-style: chr15-44867096-A-G.
Other names: c.5867-2078T>C (NM_001160227.2).
Identifiers: ClinVar variation 1450956 (VCV001450956.7), dbSNP rs2140931302, ClinGen allele CA2573150855.

ClinVar aggregate classification (germline): Uncertain significance (1 of 4 stars; one submission).

Conditions:
Hereditary spastic paraplegia 11. Also called: SPASTIC PARAPLEGIA, AUTOSOMAL RECESSIVE, COMPLICATED, WITH THIN CORPUS CALLOSUM; SPASTIC PARAPLEGIA, AUTOSOMAL RECESSIVE, WITH MENTAL IMPAIRMENT AND THIN CORPUS CALLOSUM; Spastic paraplegia, mental retardation and thin corpus callosum; Spastic Paraplegia 11; Nakamura Osame syndrome; Autosomal recessive hereditary spastic paraplegia, mental impairment, and thin corpus callosum. Identifiers: Orphanet 2822, MedGen C1858479, MONDO:0011445, OMIM 604360.

Allele frequency attached by ClinVar (database versions not stated): gnomAD exomes below 0.00001.

Submission:

Labcorp Genetics (formerly Invitae), Labcorp
Classification: Uncertain significance for Hereditary spastic paraplegia 11. Last evaluated: 2022-04-16. Review status: criteria provided, single submitter. Criteria: Invitae Variant Classification Sherloc (09022015). Collection method: clinical testing. Allele origin: germline.
Comment: In summary, the available evidence is currently insufficient to determine the role of this variant in disease. Therefore, it has been classified as a Variant of Uncertain Significance. Variants that disrupt the consensus splice site are a relatively common cause of aberrant splicing (PMID: 17576681, 9536098). Algorithms developed to predict the effect of sequence changes on RNA splicing suggest that this variant is not likely to affect RNA splicing. This variant has not been reported in the literature in individuals affected with SPG11-related conditions. This variant is not present in population databases (gnomAD no frequency). This sequence change falls in intron 31 of the SPG11 gene. It does not directly change the encoded amino acid sequence of the SPG11 protein. It affects a nucleotide within the consensus splice site.

Literature cited by the submitters: PubMed 17576681; PubMed 9536098.